The following is an entry in ClinVar:

ClinVar aggregate classification (germline): Pathogenic. Review status: criteria provided, multiple submitters, no conflicts (2 of 4 stars). 2 submissions from 2 submitters: Pathogenic (2). Last evaluated 2024-10-11.

Conditions:
PKD1-related disorder. Also called: PKD1-related condition.

Submissions (2):

GeneDx
Classification: Pathogenic. Last evaluated: 2024-10-11. Review status: criteria provided, single submitter. Criteria: GeneDx Variant Classification Process June 2021. Collection method: clinical testing. Allele origin: germline. Affected: yes.
Comment: Reported in a patient with polycystic kidney disease in published literature; however, clinical information is limited (PMID: 9399039); Frameshift variant predicted to result in protein truncation or nonsense mediated decay in a gene for which loss of function is a known mechanism of disease; Not observed at significant frequency in large population cohorts (gnomAD); This variant is associated with the following publications: (PMID: 9399039)

Blueprint Genetics
Classification: Pathogenic for PKD1-related disorders. Last evaluated: 2021-07-30. Review status: criteria provided, single submitter. Criteria: ACMG Guidelines, 2015. Collection method: clinical testing. Allele origin: germline. Affected: yes. Observed: 1 variant allele.

NM_001009944.3(PKD1):c.11134del (p.Arg3712fs)

Genes: PKD1 (polycystin 1, transient receptor potential channel interacting; minus strand), PKD1-AS1 (PKD1 antisense RNA 1; plus strand). Cytogenetic location: 16p13.3.
Variant type: Deletion.
Coding change: c.11134del on transcript NM_001009944.3 (MANE Select); coding-DNA position 11134, one base deleted (C; older notation c.11134delC).
Protein change: p.Arg3712fs; shifts the reading frame from arginine 3712.
Molecular consequence: frameshift variant. On other transcripts: non-coding transcript variant (1).
Genome position (GRCh38, 1-based): chr16:2,092,976, G deleted on the plus strand (C on the coding strand, the reverse complement: PKD1 is on the minus strand); the first of 2 consecutive G bases (chr16:2,092,976-2,092,977); deleting either gives the same sequence. VCF-style (leftmost placement, unchanged base first): chr16-2092975-CG-C. GRCh37 (hg19) VCF-style: chr16-2142976-CG-C.
Other names: c.11131del, p.Arg3711fs (NM_000296.4); c.11133delC, p.Arg3712Glyfs (NM_001009944.2); short protein forms R3711fs, R3712fs.
Identifiers: ClinVar variation 3777601 (VCV003777601.2).
Genomic context (GRCh38, chr16:2,092,975, plus strand): 5'-AAAGCCCAGAAGACAGACCAGTGCACCGGATGCCCGTACCGCGTGATGGCCAGGAAGGCC[CG>C]GCTGTGCAGCTCCTGCTTGATGGCGCTTTGCAGACGGTAGGCGTGCCCATGGCATGAGGC-3'